The following is an entry in ClinVar:

ClinVar aggregate classification (germline): Uncertain significance (1 of 4 stars; one submission).

Allele frequency attached by ClinVar (database versions not stated): gnomAD exomes below 0.00001.
gnomAD v4.1: 2 of 1,614,142 alleles (0.00012%); highest among the groups gnomAD compares: Non-Finnish European, 0.000085%; no homozygotes.

Submission:

Labcorp Genetics (formerly Invitae), Labcorp
Classification: Uncertain significance. Last evaluated: 2025-01-20. Review status: criteria provided, single submitter. Criteria: Invitae Variant Classification Sherloc (09022015). Collection method: clinical testing. Allele origin: germline.
Comment: This sequence change replaces isoleucine, which is neutral and non-polar, with threonine, which is neutral and polar, at codon 1008 of the PDE3A protein (p.Ile1008Thr). This variant is present in population databases (no rsID available, gnomAD 0.004%). This variant has not been reported in the literature in individuals affected with PDE3A-related conditions. This missense change has been observed in at least one individual who was not affected with PDE3A-related conditions (internal data). ClinVar contains an entry for this variant (Variation ID: 3000693). An algorithm developed to predict the effect of missense changes on protein structure and function (PolyPhen-2) suggests that this variant is likely to be disruptive. In summary, the available evidence is currently insufficient to determine the role of this variant in disease. Therefore, it has been classified as a Variant of Uncertain Significance.

NM_000921.5(PDE3A):c.3023T>C (p.Ile1008Thr)

Gene: PDE3A (phosphodiesterase 3A; plus strand). Cytogenetic location: 12p12.2.
Variant type: single nucleotide variant.
Coding change: c.3023T>C on transcript NM_000921.5 (MANE Select); coding-DNA position 3023, T replaced by C.
Protein change: p.Ile1008Thr; replaces isoleucine 1008 with threonine.
Molecular consequence: missense variant.
Genome position (GRCh38, 1-based): chr12:20,654,044, T>C. VCF-style: chr12-20654044-T-C. GRCh37 (hg19) VCF-style: chr12-20806978-T-C.
Other names: c.2057T>C, p.Ile686Thr (NM_001244683.2, NM_001378409.1); c.2717T>C, p.Ile906Thr (NM_001378407.1); c.2060T>C, p.Ile687Thr (NM_001378408.1); short protein forms I1008T, I686T, I687T, I906T.
Identifiers: ClinVar variation 3000693 (VCV003000693.3), dbSNP rs1284364839, ClinGen allele CA384087548.